The following is an entry in ClinVar:

ClinVar aggregate classification (germline): Pathogenic. Review status: criteria provided, multiple submitters, no conflicts (2 of 4 stars). 2 submissions from 2 submitters: Pathogenic (2). Last evaluated 2025-01-15.

Conditions:
ABCA4-related disorder. Also called: ABCA4-related condition; ABCA4-related disorders. Identifiers: MedGen CN239167.

gnomAD v4.1: 1 of 1,613,934 alleles (0.000062%); no homozygotes.

Submissions (2):

GeneDx
Classification: Pathogenic. Last evaluated: 2025-01-15. Review status: criteria provided, single submitter. Criteria: GeneDx Variant Classification Process June 2021. Collection method: clinical testing. Allele origin: germline. Affected: yes.
Comment: Reported in a patient with Stargardt disease in the published literature (PMID: 29925512); Not observed at significant frequency in large population cohorts (gnomAD); Canonical splice site variant predicted to result in a null allele in a gene for which loss of function is a known mechanism of disease; This variant is associated with the following publications: (PMID: 29925512, 35120629)

Blueprint Genetics
Classification: Pathogenic for ABCA4-related disorders. Last evaluated: 2022-04-19. Review status: criteria provided, single submitter. Criteria: ACMG Guidelines, 2015. Collection method: clinical testing. Allele origin: germline. Affected: yes. Observed: 1 variant allele.

NM_000350.3(ABCA4):c.2383-1G>A

Gene: ABCA4 (ATP binding cassette subfamily A member 4; minus strand). Cytogenetic location: 1p22.1.
Variant type: single nucleotide variant.
Coding change: c.2383-1G>A on transcript NM_000350.3 (MANE Select); the canonical splice acceptor site of the intron before coding-DNA position 2383, G replaced by A.
Molecular consequence: splice acceptor variant.
Genome position (GRCh38, 1-based): chr1:94,055,316, C>T on the plus strand (G>A on the coding strand, the complement: ABCA4 is on the minus strand). VCF-style: chr1-94055316-C-T. GRCh37 (hg19) VCF-style: chr1-94520872-C-T.
Other names: c.2161-1G>A (NM_001425324.1).
Identifiers: ClinVar variation 4070606 (VCV004070606.2).